The following is an entry in ClinVar:

NM_020812.4(DOCK6):c.5092G>A (p.Gly1698Arg)

Genes: DOCK6 (dedicator of cytokinesis 6; minus strand), DOCK6-AS1 (DOCK6 antisense RNA 1; plus strand). Cytogenetic location: 19p13.2.
Variant type: single nucleotide variant.
Coding change: c.5092G>A on transcript NM_020812.4 (MANE Select); coding-DNA position 5092, G replaced by A.
Protein change: p.Gly1698Arg; replaces glycine 1698 with arginine.
Molecular consequence: missense variant.
Genome position (GRCh38, 1-based): chr19:11,204,328, C>T on the plus strand (G>A on the coding strand, the complement: DOCK6 is on the minus strand). VCF-style: chr19-11204328-C-T. GRCh37 (hg19) VCF-style: chr19-11315004-C-T.
Other names: c.5197G>A, p.Gly1733Arg (NM_001367830.1); c.5092G>A (NM_020812.3); short protein forms G1733R, G1698R.
Identifiers: ClinVar variation 2148408 (VCV002148408.5), dbSNP rs183074899, ClinGen allele CA9206623.
Genomic context (GRCh38, chr19:11,204,328, plus strand): 5'-GGTGGGCTTCCAGGATGGGGATGAGGTTCTTGTAGACCTCATTCACCGCCTCGTAGAGCC[C>T]GCCCTGAGGGTGAGGTGGGGTCAGGATTCCCCAAACTGTCTTCCTCTCTCCACTGTGCTC-3'
Protein context (NP_065863.2, residues 1688-1708): EQAAGYFTMG[Gly1698Arg]LYEAVNEVYK

ClinVar aggregate classification (germline): Uncertain significance. Review status: criteria provided, multiple submitters, no conflicts (2 of 4 stars). 2 submissions from 2 submitters: Uncertain significance (2). Last evaluated 2023-01-10.

Allele frequency attached by ClinVar (database versions not stated): TOPMed 0.00004; ExAC 0.00001; gnomAD exomes 0.00001; gnomAD 0.00004.
gnomAD v4.1: 27 of 1,611,294 alleles (0.0017%); highest among the groups gnomAD compares: East Asian, 0.011%; no homozygotes.

Submissions (2):

GeneDx
Classification: Uncertain significance. Last evaluated: 2023-01-10. Review status: criteria provided, single submitter. Criteria: GeneDx Variant Classification Process June 2021. Collection method: clinical testing. Allele origin: germline. Affected: yes.
Comment: In silico analysis supports that this missense variant has a deleterious effect on protein structure/function; In silico analysis supports a deleterious effect on splicing; Has not been previously published as pathogenic or benign to our knowledge

Labcorp Genetics (formerly Invitae), Labcorp
Classification: Uncertain significance. Last evaluated: 2022-09-07. Review status: criteria provided, single submitter. Criteria: Invitae Variant Classification Sherloc (09022015). Collection method: clinical testing. Allele origin: germline.
Comment: Algorithms developed to predict the effect of sequence changes on RNA splicing suggest that this variant may create or strengthen a splice site. In summary, the available evidence is currently insufficient to determine the role of this variant in disease. Therefore, it has been classified as a Variant of Uncertain Significance. Algorithms developed to predict the effect of missense changes on protein structure and function are either unavailable or do not agree on the potential impact of this missense change (SIFT: "Tolerated"; PolyPhen-2: "Possibly Damaging"; Align-GVGD: "Class C0"). This variant has not been reported in the literature in individuals affected with DOCK6-related conditions. This variant is present in population databases (rs183074899, gnomAD 0.02%). This sequence change replaces glycine, which is neutral and non-polar, with arginine, which is basic and polar, at codon 1698 of the DOCK6 protein (p.Gly1698Arg).